The following is an entry in ClinVar:

ClinVar aggregate classification (germline): Uncertain significance. Review status: criteria provided, multiple submitters, no conflicts (2 of 4 stars). 5 submissions from 5 submitters: Uncertain significance (5). Last evaluated 2025-12-09.

Conditions:
Intrauterine growth retardation, metaphyseal dysplasia, adrenal hypoplasia congenita, genital anomalies, and immunodeficiency. Also called: IMAGEI SYNDROME. Identifiers: MedGen C5193036, MONDO:0032684, OMIM 618336.
Colorectal cancer, susceptibility to, 12 (CRCS12). Also called: COLORECTAL CANCER, SUSCEPTIBILITY TO, ON CHROMOSOME 12q24. Identifiers: Orphanet 220460, MedGen C3554460, MONDO:0014038, OMIM 615083.
Facial dysmorphism-immunodeficiency-livedo-short stature syndrome. Also called: Facial dysmorphism, immunodeficiency, livedo, and short stature; FILS syndrome. Identifiers: Orphanet 352712, MedGen C3554576, MONDO:0014058, OMIM 615139.
Hereditary cancer-predisposing syndrome. Also called: Hereditary Cancer Syndrome; Tumor predisposition; Neoplastic Syndromes, Hereditary; Hereditary neoplastic syndrome. Identifiers: Orphanet 140162, MedGen C0027672, MeSH D009386, MONDO:0015356.

Allele frequency attached by ClinVar (database versions not stated): TOPMed below 0.00001; ExAC 0.00003; gnomAD exomes 0.00003.
gnomAD v4.1: 40 of 1,612,906 alleles (0.0025%); highest among the groups gnomAD compares: South Asian, 0.043%; 1 homozygote.

Submissions (5):

Labcorp Genetics (formerly Invitae), Labcorp
Classification: Uncertain significance. Last evaluated: 2025-12-09. Review status: criteria provided, single submitter. Criteria: Invitae Variant Classification Sherloc (09022015). Collection method: clinical testing. Allele origin: germline.
Comment: This sequence change replaces phenylalanine, which is neutral and non-polar, with leucine, which is neutral and non-polar, at codon 1996 of the POLE protein (p.Phe1996Leu). This variant is present in population databases (rs756828876, gnomAD 0.03%). This variant has not been reported in the literature in individuals affected with POLE-related conditions. ClinVar contains an entry for this variant (Variation ID: 863383). Invitae Evidence Modeling of protein sequence and biophysical properties (such as structural, functional, and spatial information, amino acid conservation, physicochemical variation, residue mobility, and thermodynamic stability) indicates that this missense variant is not expected to disrupt POLE protein function with a negative predictive value of 80%. In summary, the available evidence is currently insufficient to determine the role of this variant in disease. Therefore, it has been classified as a Variant of Uncertain Significance.

Fulgent Genetics
Classification: Uncertain significance for Colorectal cancer, susceptibility to, 12; Facial dysmorphism-immunodeficiency-livedo-short stature syndrome; Intrauterine growth retardation, metaphyseal dysplasia, adrenal hypoplasia congenita, genital anomalies, and immunodeficiency. Last evaluated: 2024-02-29. Review status: criteria provided, single submitter. Criteria: ACMG Guidelines, 2015. Collection method: clinical testing. Allele origin: germline.

Ambry Genetics
Classification: Uncertain significance for Hereditary cancer-predisposing syndrome. Last evaluated: 2023-12-19. Review status: criteria provided, single submitter. Criteria: Ambry Variant Classification Scheme 2023. Collection method: clinical testing. Allele origin: germline.
Comment: The p.F1996L variant (also known as c.5988C>G), located in coding exon 43 of the POLE gene, results from a C to G substitution at nucleotide position 5988. The phenylalanine at codon 1996 is replaced by leucine, an amino acid with highly similar properties. This amino acid position is conserved. In addition, the in silico prediction for this alteration is inconclusive. Since supporting evidence is limited at this time, the clinical significance of this alteration remains unclear.

GeneDx
Classification: Uncertain significance. Last evaluated: 2022-03-11. Review status: criteria provided, single submitter. Criteria: GeneDx Variant Classification Process June 2021. Collection method: clinical testing. Allele origin: germline. Affected: yes.
Comment: In silico analysis supports that this missense variant has a deleterious effect on protein structure/function; Has not been previously published as pathogenic or benign to our knowledge

Department of Pathology and Laboratory Medicine, Sinai Health System
Classification: Uncertain significance for Colorectal cancer, susceptibility to, 12; Facial dysmorphism-immunodeficiency-livedo-short stature syndrome; Intrauterine growth retardation, metaphyseal dysplasia, adrenal hypoplasia congenita, genital anomalies, and immunodeficiency. Last evaluated: 2020-07-22. Review status: criteria provided, single submitter. Criteria: ACMG Guidelines, 2015. Collection method: clinical testing. Allele origin: germline. Affected: yes.

NM_006231.4(POLE):c.5988C>G (p.Phe1996Leu)

Gene: POLE (DNA polymerase epsilon, catalytic subunit; minus strand). Cytogenetic location: 12q24.33.
Variant type: single nucleotide variant.
Coding change: c.5988C>G on transcript NM_006231.4 (MANE Select); coding-DNA position 5988, C replaced by G.
Protein change: p.Phe1996Leu; replaces phenylalanine 1996 with leucine.
Molecular consequence: missense variant.
Genome position (GRCh38, 1-based): chr12:132,634,202, G>C on the plus strand (C>G on the coding strand, the complement: POLE is on the minus strand). VCF-style: chr12-132634202-G-C. GRCh37 (hg19) VCF-style: chr12-133210788-G-C.
Other names: short protein forms F1996L.
Identifiers: ClinVar variation 863383 (VCV000863383.13), dbSNP rs756828876, ClinGen allele CA6892329.